The following is an entry in ClinVar:

NM_024753.5(TTC21B):c.1431C>G (p.Cys477Trp)

Gene: TTC21B (tetratricopeptide repeat domain 21B; minus strand). Cytogenetic location: 2q24.3.
Variant type: single nucleotide variant.
Coding change: c.1431C>G on transcript NM_024753.5 (MANE Select); coding-DNA position 1431, C replaced by G.
Protein change: p.Cys477Trp; replaces cysteine 477 with tryptophan.
Molecular consequence: missense variant.
Genome position (GRCh38, 1-based): chr2:165,924,634, G>C on the plus strand (C>G on the coding strand, the complement: TTC21B is on the minus strand). VCF-style: chr2-165924634-G-C. GRCh37 (hg19) VCF-style: chr2-166781144-G-C.
Other names: c.1431C>G (NM_024753.4); short protein forms C477W.
Identifiers: ClinVar variation 1405144 (VCV001405144.10), dbSNP rs751822992, ClinGen allele CA1942126.

ClinVar aggregate classification (germline): Uncertain significance. Review status: criteria provided, multiple submitters, no conflicts (2 of 4 stars). 3 submissions from 3 submitters: Uncertain significance (3). Last evaluated 2026-01-16.

Conditions:
Nephronophthisis. Also called: Juvenile Nephronophthisis. Identifiers: Orphanet 655, MedGen C0687120, MONDO:0019005, HP:0000090.
Jeune thoracic dystrophy. Also called: Jeune syndrome; Infantile thoracic dystrophy; Thoracic pelvic phalangeal dystrophy; Jeune's syndrome; Chondroectodermal dysplasia-like syndrome; Short-rib thoracic dysplasia. Identifiers: Orphanet 474, MedGen C0265275, MONDO:0018770.
Nephronophthisis 12 (NPHP12). Identifiers: Orphanet 655, MedGen C3151186, MONDO:0013442, OMIM 613820.
Asphyxiating thoracic dystrophy 4 (SRTD4). Also called: SHORT-RIB THORACIC DYSPLASIA 4 WITH OR WITHOUT POLYDACTYLY; SHORT-RIB THORACIC DYSPLASIA 4. Identifiers: Orphanet 474, MedGen C3151185, MONDO:0013441, OMIM 613819.
TTC21B-related disorder. Also called: TTC21B-related disorders; TTC21B-related condition.

Allele frequency attached by ClinVar (database versions not stated): ExAC 0.00001; gnomAD exomes 0.00001.
gnomAD v4.1: 3 of 1,613,728 alleles (0.00019%); highest among the groups gnomAD compares: Admixed American, 0.005%; no homozygotes.

Submissions (3):

PreventionGenetics, part of Exact Sciences
Classification: Uncertain significance for TTC21B-related condition. Last evaluated: 2026-01-16. Review status: criteria provided, single submitter. Criteria: ACMG Guidelines, 2015. Collection method: clinical testing. Allele origin: germline.
Comment: The TTC21B c.1431C>G variant is predicted to result in the amino acid substitution p.Cys477Trp. To our knowledge, this variant has not been reported in the literature. This variant is reported in 0.0087% of alleles in individuals of Latino descent in gnomAD. At this time, the clinical significance of this variant is uncertain due to the absence of conclusive functional and genetic evidence.

Labcorp Genetics (formerly Invitae), Labcorp
Classification: Uncertain significance for Jeune thoracic dystrophy; Nephronophthisis. Last evaluated: 2025-04-28. Review status: criteria provided, single submitter. Criteria: Invitae Variant Classification Sherloc (09022015). Collection method: clinical testing. Allele origin: germline.
Comment: This sequence change replaces cysteine, which is neutral and slightly polar, with tryptophan, which is neutral and slightly polar, at codon 477 of the TTC21B protein (p.Cys477Trp). This variant is present in population databases (rs751822992, gnomAD 0.009%). This variant has not been reported in the literature in individuals affected with TTC21B-related conditions. ClinVar contains an entry for this variant (Variation ID: 1405144). Invitae Evidence Modeling of protein sequence and biophysical properties (such as structural, functional, and spatial information, amino acid conservation, physicochemical variation, residue mobility, and thermodynamic stability) has been performed for this missense variant. However, the output from this modeling did not meet the statistical confidence thresholds required to predict the impact of this variant on TTC21B protein function. In summary, the available evidence is currently insufficient to determine the role of this variant in disease. Therefore, it has been classified as a Variant of Uncertain Significance.

Fulgent Genetics
Classification: Uncertain significance for Asphyxiating thoracic dystrophy 4; Nephronophthisis 12. Last evaluated: 2022-04-29. Review status: criteria provided, single submitter. Criteria: ACMG Guidelines, 2015. Collection method: clinical testing. Allele origin: unknown.